The following is an entry in ClinVar:

ClinVar aggregate classification (germline): Uncertain significance. Review status: criteria provided, multiple submitters, no conflicts (2 of 4 stars). 2 submissions from 2 submitters: Uncertain significance (2). Last evaluated 2024-06-21.

Conditions:
Kabuki syndrome. Also called: NIIKAWA-KUROKI SYNDROME; Kabuki make-up syndrome. Identifiers: Orphanet 2322, MedGen C0796004, MONDO:0016512.

Submissions (2):

Labcorp Genetics (formerly Invitae), Labcorp
Classification: Uncertain significance for Kabuki syndrome. Last evaluated: 2024-06-21. Review status: criteria provided, single submitter. Criteria: Invitae Variant Classification Sherloc (09022015). Collection method: clinical testing. Allele origin: germline.
Comment: This variant, c.6498_6509del, results in the deletion of 4 amino acid(s) of the KMT2D protein (p.Ala2169_Pro2172del), but otherwise preserves the integrity of the reading frame. This variant is not present in population databases (gnomAD no frequency). This variant has not been reported in the literature in individuals affected with KMT2D-related conditions. Experimental studies and prediction algorithms are not available or were not evaluated, and the functional significance of this variant is currently unknown. In summary, the available evidence is currently insufficient to determine the role of this variant in disease. Therefore, it has been classified as a Variant of Uncertain Significance.

GeneDx
Classification: Uncertain significance. Last evaluated: 2024-02-11. Review status: criteria provided, single submitter. Criteria: GeneDx Variant Classification Process June 2021. Collection method: clinical testing. Allele origin: germline. Affected: yes.
Comment: Not observed at significant frequency in large population cohorts (gnomAD); In-frame deletion of 4 amino acids in a non-repeat region; In silico analysis supports a deleterious effect on protein structure/function; Has not been previously published as pathogenic or benign to our knowledge

NM_003482.4(KMT2D):c.6498_6509del (p.Ala2169_Pro2172del)

Gene: KMT2D (lysine methyltransferase 2D; minus strand). Cytogenetic location: 12q13.12.
Variant type: Deletion.
Coding change: c.6498_6509del on transcript NM_003482.4 (MANE Select); coding-DNA positions 6498 to 6509, 12 bases deleted (GGTGCCCGCCCA).
Protein change: p.Ala2169_Pro2172del.
Molecular consequence: inframe deletion. On other transcripts: inframe indel (1).
Genome position (GRCh38, 1-based): chr12:49,041,261-49,041,272, TGGGCGGGCACC deleted on the plus strand (GGTGCCCGCCCA on the coding strand, the reverse complement: KMT2D is on the minus strand); deleting any 12 consecutive bases within chr12:49,041,261-49,041,276 gives the same sequence; the c. name uses the placement nearest the transcript's 3' end. VCF-style (leftmost placement, unchanged base first): chr12-49041260-TTGGGCGGGCACC-T. GRCh37 (hg19) VCF-style: chr12-49435043-TTGGGCGGGCACC-T.
Other names: c.6494_6505delCCCAGGTGCCCG, p.Ala2169_Pro2172del (NM_003482.3).
Identifiers: ClinVar variation 3369136 (VCV003369136.3).
Genomic context (GRCh38, chr12:49,041,260, plus strand): 5'-GGGGAAGCGGGGCTCCAGGGGATAGGCAGGGGCCAGTCCAAAGGGGTCCTGCGAAGGCAC[TTGGGCGGGCACC>T]TGGGGTGGGAGCTTGAGGAAGAGCTCACCAGGCGAGTCAGGGCCAGGCACCGAGCCCGCC-3'